The following is an entry in ClinVar:

ClinVar aggregate classification (germline): Pathogenic/Likely pathogenic. Review status: criteria provided, multiple submitters, no conflicts (2 of 4 stars). 2 submissions from 2 submitters: Pathogenic (1); Likely pathogenic (1). Last evaluated 2023-09-17.

Conditions:
COL4A5-related disorders.

Submissions (2):

Labcorp Genetics (formerly Invitae), Labcorp
Classification: Pathogenic. Last evaluated: 2023-09-17. Review status: criteria provided, single submitter. Criteria: Invitae Variant Classification Sherloc (09022015). Collection method: clinical testing. Allele origin: germline.
Comment: For these reasons, this variant has been classified as Pathogenic. This variant disrupts the triple helix domain of COL4A5. Glycine residues within the Gly-Xaa-Yaa repeats of the triple helix domain are required for the structure and stability of fibrillar collagens (PMID: 7695699, 8218237, 19344236). In COL4A5, missense variants at these glycine residues are significantly enriched in individuals with disease (PMID: 23720012, 27627812) compared to the general population (ExAC). Advanced modeling of protein sequence and biophysical properties (such as structural, functional, and spatial information, amino acid conservation, physicochemical variation, residue mobility, and thermodynamic stability) performed at Invitae indicates that this missense variant is expected to disrupt COL4A5 protein function. This missense change has been observed in individuals with Alport syndrome (PMID: 9848783, 32812400; Invitae). This variant is not present in population databases (gnomAD no frequency). This sequence change replaces glycine, which is neutral and non-polar, with aspartic acid, which is acidic and polar, at codon 573 of the COL4A5 protein (p.Gly573Asp).

Blueprint Genetics
Classification: Likely pathogenic for COL4A5-related disorders. Last evaluated: 2022-03-11. Review status: criteria provided, single submitter. Criteria: ACMG Guidelines, 2015. Collection method: clinical testing. Allele origin: germline. Affected: yes. Observed: 1 variant allele.

Literature cited by the submitters: PubMed 7695699 (cited by Labcorp Genetics (formerly Invitae), Labcorp); PubMed 8218237 (cited by Labcorp Genetics (formerly Invitae), Labcorp); PubMed 19344236 (cited by Labcorp Genetics (formerly Invitae), Labcorp); PubMed 23720012 (cited by Labcorp Genetics (formerly Invitae), Labcorp); PubMed 27627812 (cited by Labcorp Genetics (formerly Invitae), Labcorp); PubMed 9848783 (cited by Labcorp Genetics (formerly Invitae), Labcorp); PubMed 32812400 (cited by Labcorp Genetics (formerly Invitae), Labcorp).

NM_033380.3(COL4A5):c.1718G>A (p.Gly573Asp)

Gene: COL4A5 (collagen type IV alpha 5 chain; plus strand). Cytogenetic location: Xq22.3.
Variant type: single nucleotide variant.
Coding change: c.1718G>A on transcript NM_033380.3 (MANE Select); coding-DNA position 1718, G replaced by A.
Protein change: p.Gly573Asp; replaces glycine 573 with aspartic acid.
Molecular consequence: missense variant.
Genome position (GRCh38, 1-based): chrX:108,597,507, G>A. VCF-style: chrX-108597507-G-A. GRCh37 (hg19) VCF-style: chrX-107840737-G-A.
Other names: c.1718G>A, p.Gly573Asp (NM_000495.5); short protein forms G573D.
Identifiers: ClinVar variation 2737335 (VCV002737335.4), dbSNP rs104886138, ClinGen allele CA258525.